The following is an entry in ClinVar:

NM_015041.3(CLUAP1):c.560T>C (p.Ile187Thr)

Gene: CLUAP1 (clusterin associated protein 1; plus strand). Cytogenetic location: 16p13.3.
Variant type: single nucleotide variant.
Coding change: c.560T>C on transcript NM_015041.3 (MANE Select); coding-DNA position 560, T replaced by C.
Protein change: p.Ile187Thr; replaces isoleucine 187 with threonine.
Molecular consequence: missense variant.
Genome position (GRCh38, 1-based): chr16:3,515,572, T>C. VCF-style: chr16-3515572-T-C. GRCh37 (hg19) VCF-style: chr16-3565572-T-C.
Other names: c.560T>C, p.Ile187Thr (NM_001330454.2); c.62T>C, p.Ile21Thr (NM_024793.3); short protein forms I21T, I187T.
Identifiers: ClinVar variation 2806523 (VCV002806523.3), dbSNP rs2037714408, ClinGen allele CA394513028.
Genomic context (GRCh38, chr16:3,515,572, plus strand): 5'-TGAGAACAGAAGCCATTGCCAGACCTCTGGAAATAAACGAGACTGAAAAAGTGATGAGAA[T>C]TGCAATAAAAGAGATTTTGGTAAGATGACTTTGCTTTTATATAATGTTTTTTATGCCTGG-3'
Protein context (NP_055856.1, residues 177-197): EINETEKVMR[Ile187Thr]AIKEILTQVQ

ClinVar aggregate classification (germline): Uncertain significance (1 of 4 stars; one submission).

Allele frequency attached by ClinVar (database versions not stated): TOPMed below 0.00001.

Submission:

Labcorp Genetics (formerly Invitae), Labcorp
Classification: Uncertain significance. Last evaluated: 2022-10-26. Review status: criteria provided, single submitter. Criteria: Invitae Variant Classification Sherloc (09022015). Collection method: clinical testing. Allele origin: germline.
Comment: This variant has not been reported in the literature in individuals affected with CLUAP1-related conditions. This sequence change replaces isoleucine, which is neutral and non-polar, with threonine, which is neutral and polar, at codon 187 of the CLUAP1 protein (p.Ile187Thr). This variant is not present in population databases (gnomAD no frequency). Advanced modeling of protein sequence and biophysical properties (such as structural, functional, and spatial information, amino acid conservation, physicochemical variation, residue mobility, and thermodynamic stability) performed at Invitae indicates that this missense variant is not expected to disrupt CLUAP1 protein function. In summary, the available evidence is currently insufficient to determine the role of this variant in disease. Therefore, it has been classified as a Variant of Uncertain Significance.